The following is an entry in ClinVar:

ClinVar aggregate classification (germline): Likely pathogenic (1 of 4 stars; one submission).

Conditions:
Finnish congenital nephrotic syndrome (NPHS1). Also called: NEPHROTIC SYNDROME, TYPE 1. Identifiers: Orphanet 839, MedGen C0403399, MONDO:0009732, OMIM 256300.

Submission:

Myriad Genetics, Inc.
Classification: Likely pathogenic for Finnish congenital nephrotic syndrome. Last evaluated: 2022-03-31. Review status: criteria provided, single submitter. Criteria: Myriad Women's Health Autosomal Recessive and X-Linked Classification Criteria (2021). Collection method: clinical testing. Allele origin: unknown.
Comment: NM_004646.3(NPHS1):c.33_34del2ins10(L12Tfs*9) is expected to be pathogenic in the context of nephrotic syndrome, NPHS1-related. This variant is predicted to lead to an abnormal or absent protein product due to the creation of a premature termination codon in NPHS1, a gene where loss-of-function variants are known to be pathogenic. Please note: this variant was assessed in the context of healthy population screening.

NM_004646.4(NPHS1):c.33_34delinsTACACATCTG (p.Leu12fs)

Genes: NPHS1 (NPHS1 adhesion molecule, nephrin; minus strand), KIRREL2 (kirre like nephrin family adhesion molecule 2; plus strand). Cytogenetic location: 19q13.12.
Variant type: Indel.
Coding change: c.33_34delinsTACACATCTG on transcript NM_004646.4 (MANE Select); coding-DNA positions 33 to 34, CC replaced by TACACATCTG.
Protein change: p.Leu12fs; shifts the reading frame from leucine 12.
Molecular consequence: frameshift variant.
Genome position (GRCh38, 1-based): chr19:35,851,804-35,851,805, GG replaced by CAGATGTGTA on the plus strand (CC replaced by TACACATCTG on the coding strand, the reverse complement: NPHS1 is on the minus strand). VCF-style: chr19-35851804-GG-CAGATGTGTA. GRCh37 (hg19) VCF-style: chr19-36342706-GG-CAGATGTGTA.
Other names: short protein forms L12fs.
Identifiers: ClinVar variation 1725729 (VCV001725729.2), dbSNP rs2513787289, ClinGen allele CA2580096909.